The following is an entry in ClinVar:

ClinVar aggregate classification (germline): Uncertain significance (1 of 4 stars; one submission).

Submission:

GeneDx
Classification: Uncertain significance. Last evaluated: 2024-08-27. Review status: criteria provided, single submitter. Criteria: GeneDx Variant Classification Process June 2021. Collection method: clinical testing. Allele origin: germline. Affected: yes.
Comment: Not observed at significant frequency in large population cohorts (gnomAD); In silico analysis supports that this missense variant has a deleterious effect on protein structure/function; Has not been previously published as pathogenic or benign to our knowledge

NM_005068.3(SIM1):c.9A>C (p.Glu3Asp)

Gene: SIM1 (SIM bHLH transcription factor 1; minus strand). Cytogenetic location: 6q16.3.
Variant type: single nucleotide variant.
Coding change: c.9A>C on transcript NM_005068.3 (MANE Select); coding-DNA position 9, A replaced by C.
Protein change: p.Glu3Asp; replaces glutamic acid 3 with aspartic acid.
Molecular consequence: missense variant.
Genome position (GRCh38, 1-based): chr6:100,463,460, T>G on the plus strand (A>C on the coding strand, the complement: SIM1 is on the minus strand). VCF-style: chr6-100463460-T-G. GRCh37 (hg19) VCF-style: chr6-100911336-T-G.
Other names: c.9A>C, p.Glu3Asp (NM_001374769.1); short protein forms E3D.
Identifiers: ClinVar variation 3766405 (VCV003766405.1).
Genomic context (GRCh38, chr6:100,463,460, plus strand): 5'-CAGTTCATAAAATTCACTGTTTTCCTTCTCCCTCCTAGTCCGCGCAGCATTTTTGGACTT[T>G]TCTTTCATTGTGTCTTGTTCCCCCTTTCTTCTCACAACTTAAGCTCCGCAGATTCATCCA-3'
Protein context (NP_005059.2, residues 1-13): MK[Glu3Asp]KSKNAARTRR